The following is an entry in ClinVar:

NM_000038.6(APC):c.5479C>T (p.Leu1827Phe)

Gene: APC (APC regulator of Wnt signaling pathway; plus strand). Cytogenetic location: 5q22.2.
Variant type: single nucleotide variant.
Coding change: c.5479C>T on transcript NM_000038.6 (MANE Select); coding-DNA position 5479, C replaced by T.
Protein change: p.Leu1827Phe; replaces leucine 1827 with phenylalanine.
Molecular consequence: missense variant.
Genome position (GRCh38, 1-based): chr5:112,841,073, C>T. VCF-style: chr5-112841073-C-T. GRCh37 (hg19) VCF-style: chr5-112176770-C-T.
Other names: c.5479C>T, p.Leu1827Phe (NM_001127510.3, NM_001354895.2); c.5425C>T, p.Leu1809Phe (NM_001127511.3); c.5533C>T, p.Leu1845Phe (NM_001354896.2); c.5509C>T, p.Leu1837Phe (NM_001354897.2); c.5404C>T, p.Leu1802Phe (NM_001354898.2); c.5395C>T, p.Leu1799Phe (NM_001354899.2); c.5356C>T, p.Leu1786Phe (NM_001354900.2); c.5302C>T, p.Leu1768Phe (NM_001354901.2); and 5 more; short protein forms L1809F, L1827F, L1544F, L1768F, L1786F, L1799F, L1701F, L1837F.
Identifiers: ClinVar variation 232816 (VCV000232816.28), dbSNP rs876660007, ClinGen allele CA10578405.

ClinVar aggregate classification (germline): Uncertain significance. Review status: criteria provided, multiple submitters, no conflicts (2 of 4 stars). 6 submissions from 6 submitters: Uncertain significance (6). Last evaluated 2025-08-28.

Conditions:
Familial adenomatous polyposis 1 (FAP1). Also called: FAMILIAL ADENOMATOUS POLYPOSIS 1, ATTENUATED; POLYPOSIS, ADENOMATOUS INTESTINAL. Identifiers: MedGen C2713442, MONDO:0021056, OMIM 175100. Disease mechanism: loss of function.
Hereditary cancer-predisposing syndrome. Also called: Neoplastic Syndromes, Hereditary; Tumor predisposition; Hereditary Cancer Syndrome; Hereditary neoplastic syndrome. Identifiers: Orphanet 140162, MedGen C0027672, MeSH D009386, MONDO:0015356.

Allele frequency attached by ClinVar (database versions not stated): TOPMed below 0.00001.

Submissions (6):

Labcorp Genetics (formerly Invitae), Labcorp
Classification: Uncertain significance for Familial adenomatous polyposis 1. Last evaluated: 2025-08-28. Review status: criteria provided, single submitter. Criteria: Invitae Variant Classification Sherloc (09022015). Collection method: clinical testing. Allele origin: germline.
Comment: This sequence change replaces leucine, which is neutral and non-polar, with phenylalanine, which is neutral and non-polar, at codon 1827 of the APC protein (p.Leu1827Phe). This variant is not present in population databases (gnomAD no frequency). This variant has not been reported in the literature in individuals affected with APC-related conditions. ClinVar contains an entry for this variant (Variation ID: 232816). Invitae Evidence Modeling of protein sequence and biophysical properties (such as structural, functional, and spatial information, amino acid conservation, physicochemical variation, residue mobility, and thermodynamic stability) indicates that this missense variant is not expected to disrupt APC protein function with a negative predictive value of 95%. In summary, the available evidence is currently insufficient to determine the role of this variant in disease. Therefore, it has been classified as a Variant of Uncertain Significance.

Quest Diagnostics Nichols Institute San Juan Capistrano
Classification: Uncertain significance. Last evaluated: 2025-03-19. Review status: criteria provided, single submitter. Criteria: Quest Diagnostics criteria. Collection method: clinical testing. Allele origin: unknown.
Comment: The APC c.5479C>T (p.Leu1827Phe) variant has not been reported in individuals with APC-related conditions in the published literature. It also has not been reported in large, multi-ethnic general populations (Genome Aggregation Database). Analysis of this variant using bioinformatics tools for the prediction of the effect of amino acid changes on protein structure and function yielded predictions that this variant is benign. Based on the available information, we are unable to determine the clinical significance of this variant.

Ambry Genetics
Classification: Uncertain significance for Hereditary cancer-predisposing syndrome. Last evaluated: 2025-02-25. Review status: criteria provided, single submitter. Criteria: Ambry Variant Classification Scheme 2023. Collection method: clinical testing. Allele origin: germline.
Comment: The p.L1827F variant (also known as c.5479C>T), located in coding exon 15 of the APC gene, results from a C to T substitution at nucleotide position 5479. The leucine at codon 1827 is replaced by phenylalanine, an amino acid with highly similar properties. This amino acid position is not well conserved in available vertebrate species. In addition, in silico predictors for this gene do not accurately predict pathogenicity. Missense alterations in APC are not a common cause of disease (Spier I et al. Genet Med. 2024 Feb;26(2):100992). Based on the available evidence, the clinical significance of this variant remains unclear.

Women's Health and Genetics/Laboratory Corporation of America, LabCorp
Classification: Uncertain significance. Last evaluated: 2025-01-31. Review status: criteria provided, single submitter. Criteria: LabCorp Variant Classification Summary - May 2015. Collection method: clinical testing. Allele origin: germline.
Comment: Variant summary: APC c.5479C>T (p.Leu1827Phe) results in a non-conservative amino acid change in the encoded protein sequence. Four of five in-silico tools predict a benign effect of the variant on protein function. The variant was absent in 250616 control chromosomes. The available data on variant occurrences in the general population are insufficient to allow any conclusion about variant significance. To our knowledge, no occurrence of c.5479C>T in individuals affected with Colorectal Cancer Risk and no experimental evidence demonstrating its impact on protein function have been reported. ClinVar contains an entry for this variant (Variation ID: 232816). Based on the evidence outlined above, the variant was classified as uncertain significance.

GeneDx
Classification: Uncertain significance. Last evaluated: 2024-05-05. Review status: criteria provided, single submitter. Criteria: GeneDx Variant Classification Process June 2021. Collection method: clinical testing. Allele origin: germline. Affected: yes.
Comment: Not observed at significant frequency in large population cohorts (gnomAD); In silico analysis indicates that this missense variant does not alter protein structure/function; Has not been previously published as pathogenic or benign to our knowledge; This variant is associated with the following publications: (PMID: 18199528, 29296220, 27161972)

Color Diagnostics, LLC DBA Color Health
Classification: Uncertain significance for Hereditary cancer-predisposing syndrome. Last evaluated: 2023-12-05. Review status: criteria provided, single submitter. Criteria: ACMG Guidelines, 2015. Collection method: clinical testing. Allele origin: germline.
Comment: This missense variant replaces leucine with phenylalanine at codon 1827 of the APC protein. Computational prediction suggests that this variant may not impact protein structure and function (internally defined REVEL score threshold <= 0.5, PMID: 27666373). To our knowledge, functional studies have not been reported for this variant. This variant has not been reported in individuals affected with APC-related disorders in the literature. This variant has not been identified in the general population by the Genome Aggregation Database (gnomAD). The available evidence is insufficient to determine the role of this variant in disease conclusively. Therefore, this variant is classified as a Variant of Uncertain Significance.